The following is an entry in ClinVar:

ClinVar aggregate classification (germline): Uncertain significance. Review status: criteria provided, multiple submitters, no conflicts (2 of 4 stars). 7 submissions from 7 submitters: Uncertain significance (7). Last evaluated 2025-12-09.

Conditions:
Familial adenomatous polyposis 1 (FAP1). Also called: POLYPOSIS, ADENOMATOUS INTESTINAL; FAMILIAL ADENOMATOUS POLYPOSIS 1, ATTENUATED. Identifiers: MedGen C2713442, MONDO:0021056, OMIM 175100. Disease mechanism: loss of function.
Hereditary cancer-predisposing syndrome. Also called: Hereditary neoplastic syndrome; Neoplastic Syndromes, Hereditary; Tumor predisposition; Hereditary Cancer Syndrome. Identifiers: Orphanet 140162, MedGen C0027672, MeSH D009386, MONDO:0015356.
Classic or attenuated familial adenomatous polyposis. Identifiers: MedGen CN372698, MONDO:0021057.

Allele frequency attached by ClinVar (database versions not stated): gnomAD exomes below 0.00001 and 0.00001; TOPMed below 0.00001.
gnomAD v4.1: 3 of 1,613,366 alleles (0.00019%); highest among the groups gnomAD compares: Non-Finnish European, 0.00025%; no homozygotes.

Submissions (7):

Labcorp Genetics (formerly Invitae), Labcorp
Classification: Uncertain significance for Familial adenomatous polyposis 1. Last evaluated: 2025-12-09. Review status: criteria provided, single submitter. Criteria: Invitae Variant Classification Sherloc (09022015). Collection method: clinical testing. Allele origin: germline.
Comment: This sequence change replaces isoleucine, which is neutral and non-polar, with threonine, which is neutral and polar, at codon 2615 of the APC protein (p.Ile2615Thr). This variant is not present in population databases (gnomAD no frequency). This variant has not been reported in the literature in individuals affected with APC-related conditions. ClinVar contains an entry for this variant (Variation ID: 470113). Invitae Evidence Modeling of protein sequence and biophysical properties (such as structural, functional, and spatial information, amino acid conservation, physicochemical variation, residue mobility, and thermodynamic stability) indicates that this missense variant is not expected to disrupt APC protein function with a negative predictive value of 95%. In summary, the available evidence is currently insufficient to determine the role of this variant in disease. Therefore, it has been classified as a Variant of Uncertain Significance.

Quest Diagnostics Nichols Institute San Juan Capistrano
Classification: Uncertain significance. Last evaluated: 2025-06-06. Review status: criteria provided, single submitter. Criteria: Quest Diagnostics criteria. Collection method: clinical testing. Allele origin: unknown.
Comment: The APC c.7844T>C (p.Ile2615Thr) variant has not been reported in individuals with APC-related conditions in the published literature. The frequency of this variant in the general population (Genome Aggregation Database) is uninformative in the assessment of its pathogenicity. Analysis of this variant using bioinformatics tools for the prediction of the effect of amino acid changes on protein structure and function yielded conflicting predictions that this variant is deleterious or benign. Based on the available information, we are unable to determine the clinical significance of this variant.

All of Us Research Program, National Institutes of Health
Classification: Uncertain significance for Classic or attenuated familial adenomatous polyposis. Last evaluated: 2024-01-11. Review status: criteria provided, single submitter. Criteria: ACMG Guidelines, 2015. Collection method: clinical testing. Allele origin: germline. Inheritance: Autosomal dominant inheritance. Observed: 2 variant alleles, 2 heterozygotes.
Comment: This missense variant replaces isoleucine with threonine at codon 2615 of the APC protein. Computational prediction tools and conservation analyses are inconclusive regarding the impact of this variant on the protein function. Computational splicing tools suggest that this variant may not impact RNA splicing. To our knowledge, functional assays have not been performed for this variant nor has this variant been reported in individuals affected with hereditary cancer in the literature. This variant has been identified in 1/250002 chromosomes in the general population by the Genome Aggregation Database (gnomAD). Available evidence is insufficient to determine the role of this variant in disease conclusively. Therefore, this variant is classified as a Variant of Uncertain Significance.

This study involves interpretation of variants in research participants for the purpose of population health screening. Participant phenotype was not available at the time of variant classification. Additional details can be found in publication PMID: 35346344, PMCID: PMC8962531

Ambry Genetics
Classification: Uncertain significance for Hereditary cancer-predisposing syndrome. Last evaluated: 2023-12-26. Review status: criteria provided, single submitter. Criteria: Ambry Variant Classification Scheme 2023. Collection method: clinical testing. Allele origin: germline.
Comment: The p.I2615T variant (also known as c.7844T>C), located in coding exon 15 of the APC gene, results from a T to C substitution at nucleotide position 7844. The isoleucine at codon 2615 is replaced by threonine, an amino acid with similar properties. This amino acid position is well conserved in available vertebrate species. In addition, in silico predictors for this gene do not accurately predict pathogenicity. Since supporting evidence is limited at this time, the clinical significance of this alteration remains unclear.

Color Diagnostics, LLC DBA Color Health
Classification: Uncertain significance for Hereditary cancer-predisposing syndrome. Last evaluated: 2023-12-04. Review status: criteria provided, single submitter. Criteria: ACMG Guidelines, 2015. Collection method: clinical testing. Allele origin: germline.
Comment: This missense variant replaces isoleucine with threonine at codon 2615 of the APC protein. Computational prediction tools and conservation analyses are inconclusive regarding the impact of this variant on the protein function. Computational splicing tools suggest that this variant may not impact RNA splicing. To our knowledge, functional assays have not been performed for this variant nor has this variant been reported in individuals affected with hereditary cancer in the literature. This variant has been identified in 1/250002 chromosomes in the general population by the Genome Aggregation Database (gnomAD). Available evidence is insufficient to determine the role of this variant in disease conclusively. Therefore, this variant is classified as a Variant of Uncertain Significance.

Baylor Genetics
Classification: Uncertain significance for Familial adenomatous polyposis 1. Last evaluated: 2023-06-23. Review status: criteria provided, single submitter. Criteria: ACMG Guidelines, 2015. Collection method: clinical testing. Allele origin: unknown.

Mendelics
Classification: Uncertain significance for Familial adenomatous polyposis 1. Last evaluated: 2019-05-28. Review status: criteria provided, single submitter. Criteria: Mendelics Assertion Criteria 2017. Collection method: clinical testing. Allele origin: unknown.

NM_000038.6(APC):c.7844T>C (p.Ile2615Thr)

Gene: APC (APC regulator of Wnt signaling pathway; plus strand). Cytogenetic location: 5q22.2.
Variant type: single nucleotide variant.
Coding change: c.7844T>C on transcript NM_000038.6 (MANE Select); coding-DNA position 7844, T replaced by C.
Protein change: p.Ile2615Thr; replaces isoleucine 2615 with threonine.
Molecular consequence: missense variant.
Genome position (GRCh38, 1-based): chr5:112,843,438, T>C. VCF-style: chr5-112843438-T-C. GRCh37 (hg19) VCF-style: chr5-112179135-T-C.
Other names: c.7844T>C, p.Ile2615Thr (NM_001127510.3, NM_001354895.2); c.7790T>C, p.Ile2597Thr (NM_001127511.3); c.7898T>C, p.Ile2633Thr (NM_001354896.2); c.7874T>C, p.Ile2625Thr (NM_001354897.2); c.7769T>C, p.Ile2590Thr (NM_001354898.2); c.7760T>C, p.Ile2587Thr (NM_001354899.2); c.7721T>C, p.Ile2574Thr (NM_001354900.2); c.7667T>C, p.Ile2556Thr (NM_001354901.2); and 5 more; short protein forms I2597T, I2615T, I2489T, I2556T, I2587T, I2625T, I2524T, I2574T.
Identifiers: ClinVar variation 470113 (VCV000470113.23), dbSNP rs1317953419, ClinGen allele CA16038374.